The following is an entry in ClinVar:

NM_000059.4(BRCA2):c.6884G>A (p.Arg2295Lys)

Gene: BRCA2 (BRCA2 DNA repair associated; plus strand). Cytogenetic location: 13q13.1.
Variant type: single nucleotide variant.
Coding change: c.6884G>A on transcript NM_000059.4 (MANE Select); coding-DNA position 6884, G replaced by A.
Protein change: p.Arg2295Lys; replaces arginine 2295 with lysine.
Molecular consequence: missense variant.
Genome position (GRCh38, 1-based): chr13:32,344,600, G>A. VCF-style: chr13-32344600-G-A. GRCh37 (hg19) VCF-style: chr13-32918737-G-A.
Other names: c.6884G>A, p.Arg2295Lys (NM_001406720.1); c.1952G>A, p.Arg651Lys (NM_001406721.1); c.467G>A, p.Arg156Lys (NM_001406722.1); short protein forms R156K, R2295K, R651K.
Identifiers: ClinVar variation 1755958 (VCV001755958.5), dbSNP rs1555285151, ClinGen allele CA387792774.
Genomic context (GRCh38, chr13:32,344,600, plus strand): 5'-TGAAATATTTCTTTTTAGGAGAACCCTCAATCAAAAGAAACTTATTAAATGAATTTGACA[G>A]GATAATAGAAAATCAAGAAAAATCCTTAAAGGCTTCAAAAAGCACTCCAGATGGTAAAAT-3'
Protein context (NP_000050.3, residues 2285-2305): IKRNLLNEFD[Arg2295Lys]IIENQEKSLK

ClinVar aggregate classification (germline): Uncertain significance. Review status: criteria provided, multiple submitters, no conflicts (2 of 4 stars). 2 submissions from 2 submitters: Uncertain significance (2). Last evaluated 2025-12-15.

Conditions:
Hereditary cancer-predisposing syndrome. Also called: Tumor predisposition; Hereditary Cancer Syndrome; Hereditary neoplastic syndrome; Neoplastic Syndromes, Hereditary. Identifiers: Orphanet 140162, MedGen C0027672, MeSH D009386, MONDO:0015356.
Familial cancer of breast. Also called: BREAST CANCER, FAMILIAL; hereditary breast carcinoma; Hereditary breast cancer. Identifiers: Orphanet 227535, MedGen C0346153, MONDO:0016419, OMIM 114480. Disease mechanism: loss of function.

Allele frequency attached by ClinVar (database versions not stated): gnomAD 0.00001.

Submissions (2):

Ambry Genetics
Classification: Uncertain significance for Hereditary cancer-predisposing syndrome. Last evaluated: 2025-12-15. Review status: criteria provided, single submitter. Criteria: Ambry Variant Classification Scheme 2023. Collection method: clinical testing. Allele origin: germline.
Comment: The p.R2295K variant (also known as c.6884G>A), located in coding exon 11 of the BRCA2 gene, results from a G to A substitution at nucleotide position 6884. The arginine at codon 2295 is replaced by lysine, an amino acid with highly similar properties. This amino acid position is well conserved in available vertebrate species. In addition, the in silico prediction for this alteration is inconclusive. Since supporting evidence is limited at this time, the clinical significance of this alteration remains unclear.

Baylor Genetics
Classification: Uncertain significance for Familial cancer of breast. Last evaluated: 2023-08-15. Review status: criteria provided, single submitter. Criteria: ACMG Guidelines, 2015. Collection method: clinical testing. Allele origin: unknown.